The following is an entry in ClinVar:

ClinVar aggregate classification (germline): Uncertain significance (1 of 4 stars; one submission).

Submission:

ISCA site 4
Classification: Uncertain significance. Last evaluated: 2011-08-12. Review status: criteria provided, single submitter. Criteria: Kaminsky et al. (Genet Med. 2011). Collection method: clinical testing. Allele origin: maternal. Affected: yes. Observed: 1 variant allele.
Comment: Copy number variation identified through the course of routine clinical cytogenomic testing in postnatal populations. Clinical assertions have been curated as described in Kaminsky et al. 2011.

GRCh38/hg38 22q11.22-11.23(chr22:22669543-24563859)x3

Genes: ADORA2A (adenosine A2a receptor; plus strand), ADORA2A-AS1 (ADORA2A antisense RNA 1; minus strand), BCR (BCR activator of RhoGEF and GTPase; plus strand), C22orf15 (chromosome 22 open reading frame 15; plus strand), CABIN1 (calcineurin binding protein 1; plus strand) and 157 more. Cytogenetic location: 22q11.22-11.23.
Variant type: copy number gain.
Change: copy number 3 (three copies instead of two) of chr22:22,669,543-24,563,859 (1.89 Mb, GRCh38 coordinates, 1-based), cytogenetic band 22q11.22-11.23.
Identifiers: ClinVar variation 160821 (VCV000160821.1).